The following is an entry in ClinVar:

NM_000059.4(BRCA2):c.1909+71T>C

Gene: BRCA2 (BRCA2 DNA repair associated; plus strand). Cytogenetic location: 13q13.1.
Variant type: single nucleotide variant.
Coding change: c.1909+71T>C on transcript NM_000059.4 (MANE Select); 71 bases into the intron after coding-DNA position 1909, T replaced by C.
Molecular consequence: intron variant.
Genome position (GRCh38, 1-based): chr13:32,333,458, T>C. VCF-style: chr13-32333458-T-C. GRCh37 (hg19) VCF-style: chr13-32907595-T-C.
Identifiers: ClinVar variation 264897 (VCV000264897.2), dbSNP rs375176572, ClinGen allele CA10588089.

ClinVar aggregate classification (germline): Benign. Review status: reviewed by expert panel (3 of 4 stars). 2 submissions from 2 submitters: Benign (1). 1 of the submissions does not count toward it. Last evaluated 2016-09-28.

Conditions:
Breast-ovarian cancer, familial, susceptibility to, 2 (BROVCA2). Also called: BRCA2 Hereditary Breast and Ovarian Cancer. Identifiers: Orphanet 145, MedGen C2675520, MONDO:0012933, OMIM 612555. Disease mechanism: loss of function.

Allele frequency attached by ClinVar (database versions not stated): gnomAD exomes 0.00012; TOPMed 0.00020; gnomAD 0.00024 and 0.00038; 1000 Genomes Project 0.00319; 1000 Genomes Project 30x 0.00328.
gnomAD v4.1: 261 of 1,508,874 alleles (0.017%); highest among the groups gnomAD compares: East Asian, 0.36%; 1 homozygote.

Submissions (2):

Evidence-based Network for the Interpretation of Germline Mutant Alleles (ENIGMA)
Classification: Benign for Breast-ovarian cancer, familial, susceptibility to, 2. Last evaluated: 2016-09-28. Review status: reviewed by expert panel. Criteria: ENIGMA BRCA1/2 Classification Criteria (2015). Collection method: curation. Allele origin: germline.
Comment: Class 1 not pathogenic based on frequency >1% in an outbred sampleset. Frequency 0.0139 (East Asian), derived from 1000 genomes (2013-05-02).

KCCC/NGS Laboratory, Kuwait Cancer Control Center
Classification: Benign for Breast-ovarian cancer, familial, susceptibility to, 2. Last evaluated: 2023-07-07. Review status: criteria provided, single submitter. Criteria: ACMG Guidelines, 2015. Collection method: clinical testing. Allele origin: germline. Affected: yes. Not counted in ClinVar's aggregate classification.